The following is an entry in ClinVar:

NM_006982.3(ALX1):c.770G>C (p.Arg257Pro)

Gene: ALX1 (ALX homeobox 1; plus strand). Cytogenetic location: 12q21.31.
Variant type: single nucleotide variant.
Coding change: c.770G>C on transcript NM_006982.3 (MANE Select); coding-DNA position 770, G replaced by C.
Protein change: p.Arg257Pro; replaces arginine 257 with proline.
Molecular consequence: missense variant.
Genome position (GRCh38, 1-based): chr12:85,301,264, G>C. VCF-style: chr12-85301264-G-C. GRCh37 (hg19) VCF-style: chr12-85695042-G-C.
Other names: c.770G>C (NM_006982.2); short protein forms R257P.
Identifiers: ClinVar variation 2070251 (VCV002070251.6), dbSNP rs755258550, ClinGen allele CA6709617.

ClinVar aggregate classification (germline): Uncertain significance. Review status: criteria provided, multiple submitters, no conflicts (2 of 4 stars). 2 submissions from 2 submitters: Uncertain significance (2). Last evaluated 2023-04-17.

Conditions:
Inborn genetic diseases. Identifiers: MedGen C0950123, MeSH D030342.

Allele frequency attached by ClinVar (database versions not stated): ExAC 0.00001; TOPMed 0.00001.
gnomAD v4.1: 6 of 1,613,892 alleles (0.00037%); highest among the groups gnomAD compares: Admixed American, 0.0083%; no homozygotes.

Submissions (2):

Ambry Genetics
Classification: Uncertain significance for Inborn genetic diseases. Last evaluated: 2023-04-17. Review status: criteria provided, single submitter. Criteria: Ambry Variant Classification Scheme 2023. Collection method: clinical testing. Allele origin: germline.

Labcorp Genetics (formerly Invitae), Labcorp
Classification: Uncertain significance. Last evaluated: 2022-11-01. Review status: criteria provided, single submitter. Criteria: Invitae Variant Classification Sherloc (09022015). Collection method: clinical testing. Allele origin: germline.
Comment: Algorithms developed to predict the effect of sequence changes on RNA splicing suggest that this variant may create or strengthen a splice site. Algorithms developed to predict the effect of missense changes on protein structure and function (SIFT, PolyPhen-2, Align-GVGD) all suggest that this variant is likely to be tolerated. This variant has not been reported in the literature in individuals affected with ALX1-related conditions. This variant is present in population databases (rs755258550, gnomAD 0.01%). This sequence change replaces arginine, which is basic and polar, with proline, which is neutral and non-polar, at codon 257 of the ALX1 protein (p.Arg257Pro). In summary, the available evidence is currently insufficient to determine the role of this variant in disease. Therefore, it has been classified as a Variant of Uncertain Significance.